The following is an entry in ClinVar:

ClinVar aggregate classification (germline): Uncertain significance (1 of 4 stars; one submission).

Submission:

GeneDx
Classification: Uncertain significance. Last evaluated: 2023-06-14. Review status: criteria provided, single submitter. Criteria: GeneDx Variant Classification Process June 2021. Collection method: clinical testing. Allele origin: germline. Affected: yes.
Comment: Not observed at significant frequency in large population cohorts (gnomAD); In silico analysis supports that this missense variant has a deleterious effect on protein structure/function; Has not been previously published as pathogenic or benign to our knowledge

NM_021870.3(FGG):c.1087A>G (p.Asn363Asp)

Gene: FGG (fibrinogen gamma chain; minus strand). Cytogenetic location: 4q32.1.
Variant type: single nucleotide variant.
Coding change: c.1087A>G on transcript NM_021870.3 (MANE Select); coding-DNA position 1087, A replaced by G.
Protein change: p.Asn363Asp; replaces asparagine 363 with aspartic acid.
Molecular consequence: missense variant.
Genome position (GRCh38, 1-based): chr4:154,606,747, T>C on the plus strand (A>G on the coding strand, the complement: FGG is on the minus strand). VCF-style: chr4-154606747-T-C. GRCh37 (hg19) VCF-style: chr4-155527899-T-C.
Other names: c.1087A>G, p.Asn363Asp (NM_000509.6); short protein forms N363D.
Identifiers: ClinVar variation 1703920 (VCV001703920.3), dbSNP rs2530855709, ClinGen allele CA358535611.